The following is an entry in ClinVar:

NM_032043.3(BRIP1):c.861G>A (p.Glu287=)

Gene: BRIP1 (BRCA1 interacting DNA helicase 1; minus strand). Cytogenetic location: 17q23.2.
Variant type: single nucleotide variant.
Coding change: c.861G>A on transcript NM_032043.3 (MANE Select); coding-DNA position 861, G replaced by A.
Protein change: p.Glu287=; no amino-acid change (glutamic acid 287 retained).
Molecular consequence: synonymous variant.
Genome position (GRCh38, 1-based): chr17:61,808,524, C>T on the plus strand (G>A on the coding strand, the complement: BRIP1 is on the minus strand). VCF-style: chr17-61808524-C-T. GRCh37 (hg19) VCF-style: chr17-59885885-C-T.
Identifiers: ClinVar variation 3378612 (VCV003378612.2).
Genomic context (GRCh38, chr17:61,808,524, plus strand): 5'-CACGTTTTTCCCATCTAGCAATTCCATGCACTTCTCATTTCTGTTGAAGTTACCGACTAC[C>T]TCAGGATGGACACAAGTATGATCCCTGCTGGAAAGAATAGTCATTGGAACCCCTGAATAT-3'
Protein context (NP_114432.2, residues 277-297): SSRDHTCVHP[Glu287=]VVGNFNRNEK

ClinVar aggregate classification (germline): Benign/Likely benign. Review status: criteria provided, multiple submitters, no conflicts (2 of 4 stars). 2 submissions from 2 submitters: Benign (1); Likely benign (1). Last evaluated 2026-06-20.

Conditions:
Familial cancer of breast. Also called: Hereditary breast cancer; BREAST CANCER, FAMILIAL; hereditary breast carcinoma. Identifiers: Orphanet 227535, MedGen C0346153, MONDO:0016419, OMIM 114480. Disease mechanism: loss of function.
Hereditary cancer-predisposing syndrome. Also called: Tumor predisposition; Hereditary Cancer Syndrome; Hereditary neoplastic syndrome; Neoplastic Syndromes, Hereditary. Identifiers: Orphanet 140162, MedGen C0027672, MeSH D009386, MONDO:0015356.

Submissions (2):

Ambry Genetics
Classification: Likely benign for Hereditary cancer-predisposing syndrome. Last evaluated: 2026-06-20. Review status: criteria provided, single submitter. Criteria: Ambry Variant Classification Scheme 2023. Collection method: clinical testing. Allele origin: germline.

Myriad Genetics, Inc.
Classification: Benign for Familial cancer of breast. Last evaluated: 2024-08-22. Review status: criteria provided, single submitter. Criteria: Myriad Autosomal Dominant, Autosomal Recessive and X-Linked Classification Criteria (2023). Collection method: clinical testing. Allele origin: unknown.
Comment: This variant is considered benign. This variant is a silent/synonymous amino acid change and it is not expected to impact splicing.